The following is an entry in ClinVar:

ClinVar aggregate classification (germline): Uncertain significance (1 of 4 stars; one submission).

Allele frequency attached by ClinVar (database versions not stated): TOPMed below 0.00001; gnomAD 0.00001.

Submission:

Labcorp Genetics (formerly Invitae), Labcorp
Classification: Uncertain significance. Last evaluated: 2022-03-04. Review status: criteria provided, single submitter. Criteria: Invitae Variant Classification Sherloc (09022015). Collection method: clinical testing. Allele origin: germline.
Comment: This sequence change replaces methionine, which is neutral and non-polar, with threonine, which is neutral and polar, at codon 161 of the ASAH1 protein (p.Met161Thr). This variant is not present in population databases (gnomAD no frequency). This variant has not been reported in the literature in individuals affected with ASAH1-related conditions. Algorithms developed to predict the effect of missense changes on protein structure and function are either unavailable or do not agree on the potential impact of this missense change (SIFT: "Deleterious"; PolyPhen-2: "Possibly Damaging"; Align-GVGD: "Class C0"). In summary, the available evidence is currently insufficient to determine the role of this variant in disease. Therefore, it has been classified as a Variant of Uncertain Significance.

NM_177924.5(ASAH1):c.482T>C (p.Met161Thr)

Gene: ASAH1 (N-acylsphingosine amidohydrolase 1; minus strand). Cytogenetic location: 8p22.
Variant type: single nucleotide variant.
Coding change: c.482T>C on transcript NM_177924.5 (MANE Select); coding-DNA position 482, T replaced by C.
Protein change: p.Met161Thr; replaces methionine 161 with threonine.
Molecular consequence: missense variant.
Genome position (GRCh38, 1-based): chr8:18,063,206, A>G on the plus strand (T>C on the coding strand, the complement: ASAH1 is on the minus strand). VCF-style: chr8-18063206-A-G. GRCh37 (hg19) VCF-style: chr8-17920715-A-G.
Other names: c.464T>C, p.Met155Thr (NM_001127505.3); c.287T>C, p.Met96Thr (NM_001363743.2); c.530T>C, p.Met177Thr (NM_004315.6); short protein forms M161T, M96T, M155T, M177T.
Identifiers: ClinVar variation 1927733 (VCV001927733.5), dbSNP rs1799779672, ClinGen allele CA370431099.
Genomic context (GRCh38, chr8:18,063,206, plus strand): 5'-GCGTGAACCACCATGCCTGACCCTTTGTTCTTTACTTACCCAAGAAATACTCCAAAATCC[A>G]TGTTTCTCCCATGTATTAGATGACCTATTTGAAGGTAGACAGAAGAGACGTGTAATAGCA-3'
Protein context (NP_808592.2, residues 151-171): KKGHLIHGRN[Met161Thr]DFGVFLGWNI